The following is an entry in ClinVar:

NM_001206927.2(DNAH8):c.14059C>T (p.Arg4687Ter)

Gene: DNAH8 (dynein axonemal heavy chain 8; plus strand). Cytogenetic location: 6p21.2.
Variant type: single nucleotide variant.
Coding change: c.14059C>T on transcript NM_001206927.2 (MANE Select); coding-DNA position 14059, C replaced by T.
Protein change: p.Arg4687Ter; replaces arginine 4687 with a stop codon.
Molecular consequence: nonsense.
Genome position (GRCh38, 1-based): chr6:39,030,327, C>T. VCF-style: chr6-39030327-C-T. GRCh37 (hg19) VCF-style: chr6-38998103-C-T.
Other names: c.13408C>T, p.Arg4470Ter (NM_001371.4); short protein forms R4687*, R4470*.
Identifiers: ClinVar variation 238638 (VCV000238638.11), dbSNP rs146551804, ClinGen allele CA3791849.
Genomic context (GRCh38, chr6:39,030,327, plus strand): 5'-TGTCCTATTTACAAGAAACCCAGGCGAACTGATTTGACCTTCATCACTGTGGTATATTTA[C>T]GAACAGTGTTGTCCCCGGATCACTGGATCCTGAGAGGAGTGGCCCTTTTGTGTGACATCA-3'

ClinVar aggregate classification (germline): Uncertain significance. Review status: criteria provided, multiple submitters, no conflicts (2 of 4 stars). 7 submissions from 7 submitters: Uncertain significance (5). 2 of the submissions do not count toward it. Last evaluated 2025-07-07.

Conditions:
Spermatogenic failure 46. Identifiers: MedGen C5436799, MONDO:0033673, OMIM 619095.
DNAH8-related disorder. Also called: DNAH8-related condition.
Primary ciliary dyskinesia. Also called: Ciliary dyskinesia. Identifiers: Orphanet 244, MedGen C0008780, MONDO:0016575, HP:0012265.

Allele frequency attached by ClinVar (database versions not stated): 1000 Genomes Project 0.00020; 1000 Genomes Project 30x 0.00031; TOPMed 0.00044; ExAC 0.00049; gnomAD exomes 0.00051 and 0.00077; gnomAD 0.00056 and 0.00058; ESP Exome Variant Server 0.00062.
gnomAD v4.1: 1,186 of 1,614,026 alleles (0.073%); highest among the groups gnomAD compares: Non-Finnish European, 0.095%; 3 homozygotes.

Submissions (7):

PreventionGenetics, part of Exact Sciences
Classification: Uncertain significance for DNAH8-related condition. Last evaluated: 2025-07-07. Review status: criteria provided, single submitter. Criteria: ACMG Guidelines, 2015. Collection method: clinical testing. Allele origin: germline.
Comment: The DNAH8 c.14059C>T variant is predicted to result in premature protein termination (p.Arg4687*). To our knowledge, this variant has not been reported in the literature. This variant resides in the final exon of this gene, and it is unclear if the resulting mRNA would undergo nonsense-mediated decay. This variant is reported in 0.092% of alleles in individuals of European (Non-Finnish) descent in gnomAD. Although we suspect this variant may be benign, at this time, the clinical significance of this variant is uncertain due to the absence of conclusive functional and genetic evidence.

GeneDx
Classification: Uncertain significance. Last evaluated: 2022-12-28. Review status: criteria provided, single submitter. Criteria: GeneDx Variant Classification Process June 2021. Collection method: clinical testing. Allele origin: germline. Affected: yes.
Comment: Nonsense variant predicted to result in protein truncation as the last 21amino acids are lost, although loss-of-function variants have not been reported downstream of this position in the protein; Has not been previously published as pathogenic or benign to our knowledge

Labcorp Genetics (formerly Invitae), Labcorp
Classification: Uncertain significance for Primary ciliary dyskinesia. Last evaluated: 2022-10-25. Review status: criteria provided, single submitter. Criteria: Invitae Variant Classification Sherloc (09022015). Collection method: clinical testing. Allele origin: germline.
Comment: This sequence change creates a premature translational stop signal (p.Arg4687*) in the DNAH8 gene. While this is not anticipated to result in nonsense mediated decay, it is expected to disrupt the last 21 amino acid(s) of the DNAH8 protein. This variant is present in population databases (rs146551804, gnomAD 0.09%), and has an allele count higher than expected for a pathogenic variant. This variant has not been reported in the literature in individuals affected with DNAH8-related conditions. ClinVar contains an entry for this variant (Variation ID: 238638). Experimental studies and prediction algorithms are not available or were not evaluated, and the functional significance of this variant is currently unknown. In summary, the available evidence is currently insufficient to determine the role of this variant in disease. Therefore, it has been classified as a Variant of Uncertain Significance.

Fulgent Genetics
Classification: Uncertain significance for Spermatogenic failure 46. Last evaluated: 2022-03-01. Review status: criteria provided, single submitter. Criteria: ACMG Guidelines, 2015. Collection method: clinical testing. Allele origin: unknown.

UNC Molecular Genetics  Laboratory, University of North Carolina at Chapel Hill
Classification: Uncertain significance for Primary ciliary dyskinesia. Last evaluated: 2021-03-02. Review status: criteria provided, single submitter. Criteria: ACMG Guidelines, 2015. Collection method: clinical testing. Allele origin: germline. Observed: 2 heterozygotes.

Diagnostic Laboratory, Department of Genetics, University Medical Center Groningen
Classification: Uncertain significance. Review status: no assertion criteria provided. Collection method: clinical testing. Allele origin: germline. Affected: yes. Study: VKGL Data-share Consensus. Not counted in ClinVar's aggregate classification.

Genome Diagnostics Laboratory, Amsterdam University Medical Center
Classification: Uncertain significance. Review status: no assertion criteria provided. Collection method: clinical testing. Allele origin: germline. Affected: yes. Study: VKGL Data-share Consensus. Not counted in ClinVar's aggregate classification.